The following is an entry in ClinVar:

NM_004998.4(MYO1E):c.2304C>T (p.Asp768=)

Gene: MYO1E (myosin IE; minus strand). Cytogenetic location: 15q22.2.
Variant type: single nucleotide variant.
Coding change: c.2304C>T on transcript NM_004998.4 (MANE Select); coding-DNA position 2304, C replaced by T.
Protein change: p.Asp768=; no amino-acid change (aspartic acid 768 retained).
Molecular consequence: synonymous variant.
Genome position (GRCh38, 1-based): chr15:59,173,776, G>A on the plus strand (C>T on the coding strand, the complement: MYO1E is on the minus strand). VCF-style: chr15-59173776-G-A. GRCh37 (hg19) VCF-style: chr15-59465975-G-A.
Other names: p.Asp768=.
Identifiers: ClinVar variation 719371 (VCV000719371.48), dbSNP rs145459485, ClinGen allele CA7589302.

ClinVar aggregate classification (germline): Benign/Likely benign. Review status: criteria provided, multiple submitters, no conflicts (2 of 4 stars). 5 submissions from 5 submitters: Benign (1); Likely benign (4). Last evaluated 2026-03-01.

Conditions:
Focal segmental glomerulosclerosis 6 (FSGS6). Identifiers: Orphanet 656, MedGen C3279905, MONDO:0013589, OMIM 614131.

Allele frequency attached by ClinVar (database versions not stated): 1000 Genomes Project 0.00100; 1000 Genomes Project 30x 0.00109; TOPMed 0.00180; ESP Exome Variant Server 0.00231; gnomAD exomes 0.00249 and 0.00312; gnomAD 0.00319 and 0.00334; ExAC 0.00348.
gnomAD v4.1: 4,087 of 1,614,192 alleles (0.25%); highest among the groups gnomAD compares: Non-Finnish European, 0.26%; 24 homozygotes.

Submissions (5):

CeGaT Center for Human Genetics Tuebingen
Classification: Likely benign. Last evaluated: 2026-03-01. Review status: criteria provided, single submitter. Criteria: CeGaT Center For Human Genetics Tuebingen Variant Classification Criteria Version 2. Collection method: clinical testing. Allele origin: germline. Affected: yes. Observed: 3 variant alleles.
Comment: MYO1E: BP4, BP7, BS2

Labcorp Genetics (formerly Invitae), Labcorp
Classification: Benign. Last evaluated: 2026-01-14. Review status: criteria provided, single submitter. Criteria: Invitae Variant Classification Sherloc (09022015). Collection method: clinical testing. Allele origin: germline.

Mayo Clinic Laboratories, Mayo Clinic
Classification: Likely benign. Last evaluated: 2025-03-30. Review status: criteria provided, single submitter. Criteria: ACMG Guidelines, 2015. Collection method: clinical testing. Allele origin: germline. Observed: 1 variant allele.
Comment: BS1, BP4, BP7

Fulgent Genetics
Classification: Likely benign for Focal segmental glomerulosclerosis 6. Last evaluated: 2021-07-21. Review status: criteria provided, single submitter. Criteria: ACMG Guidelines, 2015. Collection method: clinical testing. Allele origin: unknown.

GeneDx
Classification: Likely benign. Last evaluated: 2021-05-06. Review status: criteria provided, single submitter. Criteria: GeneDx Variant Classification Process June 2021. Collection method: clinical testing. Allele origin: germline. Affected: yes.